The following is an entry in ClinVar:

ClinVar aggregate classification (germline): Pathogenic/Likely pathogenic. Review status: criteria provided, multiple submitters, no conflicts (2 of 4 stars). 3 submissions from 3 submitters: Pathogenic (2); Likely pathogenic (1). Last evaluated 2024-06-07.

Conditions:
Pendred syndrome (PDS). Also called: DEAFNESS WITH GOITER; GOITER-DEAFNESS SYNDROME; HYPOTHYROIDISM, CONGENITAL, DUE TO DYSHORMONOGENESIS, 2B; THYROID DYSHORMONOGENESIS 2B; THYROID HORMONOGENESIS, GENETIC DEFECT IN, 2B; Pendred's syndrome. Identifiers: Orphanet 705, MedGen C0271829, MONDO:0010134, OMIM 274600.
SLC26A4-related disorder. Also called: SLC26A4-related condition; SLC26A4-related disorders.

Submissions (3):

Natera, Inc.
Classification: Pathogenic for Pendred syndrome. Last evaluated: 2024-06-07. Review status: criteria provided, single submitter. Criteria: Natera Variant Classification Schema (03/2026). Collection method: clinical testing. Allele origin: germline.
Comment: The c.384del variant in SLC26A4 is a frameshift variant predicted to shift the reading frame beginning at codon 128 and leads to a stop codon 17 codons downstream. This variant is expected to result in nonsense mediated decay, truncation, or a dysfunctional protein product. This variant is rare in the general population with a frequency below the threshold expected for the associated phenotype(s). This variant has been observed in one or more individuals affected with the associated recessive disease, as either homozygous or compound heterozygous with a second variant (PMID: 32295532). Additionally, this variant has been observed to segregate in affected family members (PMID: 32295532). Given the available evidence, this variant is classified as Pathogenic.

Myriad Genetics, Inc.
Classification: Pathogenic for Pendred syndrome. Last evaluated: 2024-04-14. Review status: criteria provided, single submitter. Criteria: Myriad Autosomal Dominant, Autosomal Recessive and X-Linked Classification Criteria (2023). Collection method: clinical testing. Allele origin: unknown.
Comment: NM_000441.1(SLC26A4):c.384delT(F128Lfs*17) is expected to be pathogenic in the context of Pendred syndrome. This variant is predicted to lead to an abnormal or absent protein product due to the creation of a premature termination codon in SLC26A4, a gene where loss-of-function variants are known to be pathogenic. Please note: this variant was assessed in the context of healthy population screening.

Blueprint Genetics
Classification: Likely pathogenic for SLC26A4-related disorders. Last evaluated: 2019-06-26. Review status: criteria provided, single submitter. Criteria: ACMG Guidelines, 2015. Collection method: clinical testing. Allele origin: germline. Affected: yes. Observed: 1 variant allele.

Literature cited by the submitters: PubMed 32295532 (cited by Natera, Inc.).

NM_000441.2(SLC26A4):c.384del (p.Phe128fs)

Gene: SLC26A4 (solute carrier family 26 member 4; plus strand). Cytogenetic location: 7q22.3.
Variant type: Deletion.
Coding change: c.384del on transcript NM_000441.2 (MANE Select); coding-DNA position 384, one base deleted (T; older notation c.384delT).
Protein change: p.Phe128fs; shifts the reading frame from phenylalanine 128.
Molecular consequence: frameshift variant.
Genome position (GRCh38, 1-based): chr7:107,672,217, T deleted; the last of 3 consecutive T bases (chr7:107,672,215-107,672,217); deleting any one gives the same sequence. VCF-style (leftmost placement, unchanged base first): chr7-107672214-CT-C. GRCh37 (hg19) VCF-style: chr7-107312659-CT-C.
Other names: short protein forms F128fs.
Identifiers: ClinVar variation 4818371 (VCV004818371.3).